The following is an entry in ClinVar:

ClinVar aggregate classification (germline): Uncertain significance (1 of 4 stars; one submission).

Conditions:
Atrial fibrillation, familial, 14 (ATFB14). Identifiers: MedGen C3809312, MONDO:0014156, OMIM 615378.

Submission:

Labcorp Genetics (formerly Invitae), Labcorp
Classification: Uncertain significance for Atrial fibrillation, familial, 14. Last evaluated: 2022-08-22. Review status: criteria provided, single submitter. Criteria: Invitae Variant Classification Sherloc (09022015). Collection method: clinical testing. Allele origin: germline.
Comment: In summary, the available evidence is currently insufficient to determine the role of this variant in disease. Therefore, it has been classified as a Variant of Uncertain Significance. Algorithms developed to predict the effect of missense changes on protein structure and function are either unavailable or do not agree on the potential impact of this missense change (SIFT: "Deleterious"; PolyPhen-2: "Probably Damaging"; Align-GVGD: "Class C0"). This variant has not been reported in the literature in individuals affected with SCN2B-related conditions. This variant is not present in population databases (gnomAD no frequency). This sequence change replaces alanine, which is neutral and non-polar, with threonine, which is neutral and polar, at codon 164 of the SCN2B protein (p.Ala164Thr).

NM_004588.5(SCN2B):c.490G>A (p.Ala164Thr)

Gene: SCN2B (sodium voltage-gated channel beta subunit 2; minus strand). Cytogenetic location: 11q23.3.
Variant type: single nucleotide variant.
Coding change: c.490G>A on transcript NM_004588.5 (MANE Select); coding-DNA position 490, G replaced by A.
Protein change: p.Ala164Thr; replaces alanine 164 with threonine.
Molecular consequence: missense variant.
Genome position (GRCh38, 1-based): chr11:118,167,045, C>T on the plus strand (G>A on the coding strand, the complement: SCN2B is on the minus strand). VCF-style: chr11-118167045-C-T. GRCh37 (hg19) VCF-style: chr11-118037760-C-T.
Other names: short protein forms A164T.
Identifiers: ClinVar variation 1913823 (VCV001913823.5), dbSNP rs923539173, ClinGen allele CA229505818.
Genomic context (GRCh38, chr11:118,167,045, plus strand): 5'-TCACACACTTGACCACCATCAGCACCAAGATGACCACAGCCAGGAAGCCCCCGACGGAGG[C>T]ACCCACAATCACGGCCACCGTGGAGTCCCGCTCAGGGGGCTCTGGAAAGGAAGCAGAGCC-3'
Protein context (NP_004579.1, residues 154-174): RDSTVAVIVG[Ala164Thr]SVGGFLAVVI